The following is an entry in ClinVar:

NM_013275.6(ANKRD11):c.4055A>G (p.His1352Arg)

Gene: ANKRD11 (ankyrin repeat domain 11; minus strand). Cytogenetic location: 16q24.3.
Variant type: single nucleotide variant.
Coding change: c.4055A>G on transcript NM_013275.6 (MANE Select); coding-DNA position 4055, A replaced by G.
Protein change: p.His1352Arg; replaces histidine 1352 with arginine.
Molecular consequence: missense variant.
Genome position (GRCh38, 1-based): chr16:89,282,487, T>C on the plus strand (A>G on the coding strand, the complement: ANKRD11 is on the minus strand). VCF-style: chr16-89282487-T-C. GRCh37 (hg19) VCF-style: chr16-89348895-T-C.
Other names: c.4055A>G, p.His1352Arg (NM_001256182.2, NM_001256183.2); short protein forms H1352R.
Identifiers: ClinVar variation 3901035 (VCV003901035.1).

ClinVar aggregate classification (germline): Uncertain significance (1 of 4 stars; one submission).

Conditions:
KBG syndrome (KBGS). Also called: ANKRD11-Related KBG Syndrome. Identifiers: Orphanet 2332, MedGen C0220687, MONDO:0007846, OMIM 148050.

Submission:

Laboratorio de Genetica e Diagnostico Molecular, Hospital Israelita Albert Einstein
Classification: Uncertain significance for KBG syndrome. Last evaluated: 2023-02-27. Review status: criteria provided, single submitter. Criteria: ACMG Guidelines, 2015. Collection method: clinical testing. Allele origin: germline. Affected: yes.
Comment: ACMG classification criteria: PM2 moderate, BP4 supporting